The following is an entry in ClinVar:

ClinVar aggregate classification (germline): Likely pathogenic (1 of 4 stars; one submission).

Submission:

Quest Diagnostics Nichols Institute San Juan Capistrano
Classification: Likely pathogenic. Last evaluated: 2024-01-24. Review status: criteria provided, single submitter. Criteria: Quest Diagnostics criteria. Collection method: clinical testing. Allele origin: unknown.
Comment: The BRCA2 c.2205_2208dup (p.Ala737Cysfs*15) variant alters the translational reading frame of the BRCA2 mRNA and is predicted to cause the premature termination of BRCA2 protein synthesis. This variant has not been reported in individuals with BRCA2-related conditions in the published literature. This variant has not been reported in large, multi-ethnic general populations (Genome Aggregation Database). Based on the available information, this variant is classified as likely pathogenic.

NM_000059.4(BRCA2):c.2205_2208dup (p.Ala737fs)

Gene: BRCA2 (BRCA2 DNA repair associated; plus strand). Cytogenetic location: 13q13.1.
Variant type: Duplication.
Coding change: c.2205_2208dup on transcript NM_000059.4 (MANE Select); coding-DNA positions 2205 to 2208, 4 bases duplicated (TGCA; older notation c.2205_2208dupTGCA).
Protein change: p.Ala737fs; shifts the reading frame from alanine 737.
Molecular consequence: frameshift variant. On other transcripts: non-coding transcript variant (1), intron variant (2).
Genome position (GRCh38, 1-based): chr13:32,336,560-32,336,563, TGCA duplicated. VCF-style (leftmost placement, unchanged base first): chr13-32336559-C-CTGCA. GRCh37 (hg19) VCF-style: chr13-32910696-C-CTGCA.
Other names: c.2205_2208dup, p.Ala737fs (NM_001406719.1, NM_001406720.1, NM_001432077.1); c.1909+3173_1909+3176dup (NM_001406721.1); c.424+5530_424+5533dup (NM_001406722.1); short protein forms A737fs.
Identifiers: ClinVar variation 3572346 (VCV003572346.1).